The following is an entry in ClinVar:

NM_000088.4(COL1A1):c.588+16G>A

Gene: COL1A1 (collagen type I alpha 1 chain; minus strand). Cytogenetic location: 17q21.33.
Variant type: single nucleotide variant.
Coding change: c.588+16G>A on transcript NM_000088.4 (MANE Select); 16 bases into the intron after coding-DNA position 588, G replaced by A.
Molecular consequence: intron variant.
Genome position (GRCh38, 1-based): chr17:50,198,145, C>T on the plus strand (G>A on the coding strand, the complement: COL1A1 is on the minus strand). VCF-style: chr17-50198145-C-T. GRCh37 (hg19) VCF-style: chr17-48275506-C-T.
Identifiers: ClinVar variation 380457 (VCV000380457.59), dbSNP rs191715075, ClinGen allele CA8645655.
Genomic context (GRCh38, chr17:50,198,145, plus strand): 5'-CTCCTGCCCTCATCCCAGTCTTCCCTCCAAAAGACCAAAGCCCAAGGAGGCATATGAAGA[C>T]GTCCTGGATACTCACAGGTGCACCAGGGGGGCCAGGGAGACCACGAGGACCAGAGGGACC-3'

ClinVar aggregate classification (germline): Benign/Likely benign. Review status: criteria provided, multiple submitters, no conflicts (2 of 4 stars). 7 submissions from 7 submitters: Benign (5); Likely benign (2). Last evaluated 2026-02-02.

Conditions:
Ehlers-Danlos syndrome, arthrochalasia type. Also called: EDS VII, MUTANT PROCOLLAGEN TYPE; EDS VIIA; ARTHROCHALASIS MULTIPLEX CONGENITA; Ehlers-Danlos syndrome, arthrochalasis type; Ehlers-Danlos syndrome, arthrochalasia type, 1. Identifiers: Orphanet 1899, Orphanet 99875, Orphanet 99876, MedGen C4551623, MONDO:0007525, OMIM 130060.
Osteogenesis imperfecta, perinatal lethal (OI2). Also called: OSTEOGENESIS IMPERFECTA, TYPE II; OI, TYPE II; OSTEOGENESIS IMPERFECTA CONGENITA; VROLIK TYPE OF OSTEOGENESIS IMPERFECTA; Osteogenesis imperfecta type 2; Osteogenesis imperfecta, dominant perinatal lethal. Identifiers: Orphanet 216804, MedGen C0268358, MONDO:0008147, OMIM 166210.
Osteogenesis imperfecta type III (OI3). Also called: Progressively Deforming Osteogenesis Imperfecta; Osteogenesis imperfecta type 3; OI type 3; Osteogenesis imperfecta, progressively deforming with normal sclerae; OI type III. Identifiers: Orphanet 216812, Orphanet 666, MedGen C0268362, MONDO:0009804, OMIM 259420.
Osteogenesis imperfecta type I (OI1). Also called: Lobstein's Disease; Classic Non-deforming Osteogenesis Imperfecta with Blue Sclerae; Lobstein disease; OI, TYPE I; OSTEOGENESIS IMPERFECTA TARDA; OSTEOGENESIS IMPERFECTA WITH BLUE SCLERAE. Identifiers: Orphanet 216796, Orphanet 666, MedGen C0023931, MONDO:0008146, OMIM 166200. Disease mechanism: loss of function.
Infantile cortical hyperostosis. Also called: Caffey Disease; P1PK BLOOD GROUP SYSTEM, P(2) PHENOTYPE; Hyperostosis, Cortical, Congenital. Identifiers: Orphanet 1310, MedGen C0020497, MONDO:0007244, OMIM 114000.
Osteogenesis imperfecta with normal sclerae, dominant form (OI4). Also called: Common Variable Osteogenesis Imperfecta with Normal Sclerae; Osteogenesis Imperfecta Type IV; OSTEOGENESIS IMPERFECTA, TYPE IV, WITH DENTINOGENESIS IMPERFECTA; OSTEOGENESIS IMPERFECTA WITH NORMAL SCLERAE; Osteogenesis imperfecta type 4. Identifiers: Orphanet 216820, Orphanet 666, MedGen C0268363, MONDO:0008148, OMIM 166220.
Combined osteogenesis imperfecta and Ehlers-Danlos syndrome 1. Also called: OIEDS SYNDROME 1. Identifiers: MedGen C5436842, MONDO:0030854, OMIM 619115.
Osteoporosis. Identifiers: MedGen C0029456, MONDO:0005298, OMIM 166710, HP:0000939.

Allele frequency attached by ClinVar (database versions not stated): ESP Exome Variant Server 0.00031; gnomAD 0.00032; TOPMed 0.00081; 1000 Genomes Project 30x 0.00109; 1000 Genomes Project 0.00120.
gnomAD v4.1: 608 of 1,614,064 alleles (0.038%); highest among the groups gnomAD compares: Admixed American, 0.59%; 4 homozygotes.

Submissions (7):

Labcorp Genetics (formerly Invitae), Labcorp
Classification: Benign for Osteogenesis imperfecta type I. Last evaluated: 2026-02-02. Review status: criteria provided, single submitter. Criteria: Invitae Variant Classification Sherloc (09022015). Collection method: clinical testing. Allele origin: germline.

Women's Health and Genetics/Laboratory Corporation of America, LabCorp
Classification: Benign. Last evaluated: 2025-01-07. Review status: criteria provided, single submitter. Criteria: LabCorp Variant Classification Summary - May 2015. Collection method: clinical testing. Allele origin: germline.
Comment: Variant summary: COL1A1 c.588+16G>A alters a nucleotide located at a position not widely known to affect splicing. Consensus agreement among computation tools predict no significant impact on normal splicing (TrAP). However, these predictions have yet to be confirmed by functional studies. The variant allele was found at a frequency of 0.0014 in 250636 control chromosomes in the gnomAD database, including 2 homozygotes. The observed variant frequency is approximately 48.66 fold of the estimated maximal expected allele frequency for a pathogenic variant in COL1A1 causing Osteogenesis Imperfecta phenotype (2.8e-05). To our knowledge, no occurrence of c.588+16G>A in individuals affected with Osteogenesis Imperfecta and no experimental evidence demonstrating its impact on protein function have been reported. ClinVar contains an entry for this variant (Variation ID: 380457). Based on the evidence outlined above, the variant was classified as benign.

Blueprint Genetics
Classification: Likely benign. Last evaluated: 2024-10-07. Review status: criteria provided, single submitter. Criteria: ACMG Guidelines, 2015. Collection method: clinical testing. Allele origin: germline.

ARUP Laboratories, Molecular Genetics and Genomics, ARUP Laboratories
Classification: Benign. Last evaluated: 2023-04-04. Review status: criteria provided, single submitter. Criteria: ARUP Molecular Germline Variant Investigation Process 2024. Collection method: clinical testing. Allele origin: germline.

Fulgent Genetics
Classification: Likely benign for Infantile cortical hyperostosis; Ehlers-Danlos syndrome, arthrochalasia type; Osteogenesis imperfecta type I; Osteogenesis imperfecta, perinatal lethal; Osteogenesis imperfecta with normal sclerae, dominant form; Osteoporosis; Osteogenesis imperfecta type III; Combined osteogenesis imperfecta and Ehlers-Danlos syndrome 1. Last evaluated: 2021-08-30. Review status: criteria provided, single submitter. Criteria: ACMG Guidelines, 2015. Collection method: clinical testing. Allele origin: unknown.

Athena Diagnostics
Classification: Benign. Last evaluated: 2019-07-02. Review status: criteria provided, single submitter. Criteria: Athena Diagnostics Criteria. Collection method: clinical testing. Allele origin: germline.

GeneDx
Classification: Benign. Last evaluated: 2017-01-06. Review status: criteria provided, single submitter. Criteria: GeneDx Variant Classification (06012015). Collection method: clinical testing. Allele origin: germline. Affected: yes.
Comment: This variant is considered likely benign or benign based on one or more of the following criteria: it is a conservative change, it occurs at a poorly conserved position in the protein, it is predicted to be benign by multiple in silico algorithms, and/or has population frequency not consistent with disease.